The following is an entry in ClinVar:

ClinVar aggregate classification (germline): Uncertain significance (1 of 4 stars; one submission).

Conditions:
STING-associated vasculopathy with onset in infancy. Also called: Sting-associated vasculopathy, infantile-onset. Identifiers: Orphanet 425120, MedGen C4014722, MONDO:0014405, OMIM 615934.

Allele frequency attached by ClinVar (database versions not stated): gnomAD exomes below 0.00001.
gnomAD v4.1: 1 of 1,614,096 alleles (0.000062%); highest among the groups gnomAD compares: Non-Finnish European, 0.000085%; no homozygotes.

Submission:

Labcorp Genetics (formerly Invitae), Labcorp
Classification: Uncertain significance for STING-associated vasculopathy with onset in infancy. Last evaluated: 2024-08-01. Review status: criteria provided, single submitter. Criteria: Invitae Variant Classification Sherloc (09022015). Collection method: clinical testing. Allele origin: germline.
Comment: This sequence change replaces glutamine, which is neutral and polar, with leucine, which is neutral and non-polar, at codon 184 of the TMEM173 protein (p.Gln184Leu). This variant is not present in population databases (gnomAD no frequency). This variant has not been reported in the literature in individuals affected with TMEM173-related conditions. ClinVar contains an entry for this variant (Variation ID: 2031493). Advanced modeling of protein sequence and biophysical properties (such as structural, functional, and spatial information, amino acid conservation, physicochemical variation, residue mobility, and thermodynamic stability) performed at Invitae indicates that this missense variant is not expected to disrupt TMEM173 protein function with a negative predictive value of 80%. In summary, the available evidence is currently insufficient to determine the role of this variant in disease. Therefore, it has been classified as a Variant of Uncertain Significance.

NM_198282.4(STING1):c.551A>T (p.Gln184Leu)

Gene: STING1 (stimulator of interferon response cGAMP interactor 1; minus strand). Cytogenetic location: 5q31.2.
Variant type: single nucleotide variant.
Coding change: c.551A>T on transcript NM_198282.4 (MANE Select); coding-DNA position 551, A replaced by T.
Protein change: p.Gln184Leu; replaces glutamine 184 with leucine.
Molecular consequence: missense variant.
Genome position (GRCh38, 1-based): chr5:139,478,478, T>A on the plus strand (A>T on the coding strand, the complement: STING1 is on the minus strand). VCF-style: chr5-139478478-T-A. GRCh37 (hg19) VCF-style: chr5-138858063-T-A.
Other names: c.551A>T, p.Gln184Leu (NM_001301738.2); c.194A>T, p.Gln65Leu (NM_001367258.1); short protein forms Q65L, Q184L.
Identifiers: ClinVar variation 2031493 (VCV002031493.4), dbSNP rs2547063138, ClinGen allele CA361480301.
Genomic context (GRCh38, chr5:139,478,478, plus strand): 5'-AATGGGAGGAGAATATACAGCCGCTGGCTCACTGCACCCCGTAGCAGGTTGTTGTAATGC[T>A]GATTGTAAGTTCGAATCCGGGCCTGGAGCTCTGAGGCAGGGAAGCCCAAGAAGTTATTCC-3'
Protein context (NP_938023.1, residues 174-194): ELQARIRTYN[Gln184Leu]HYNNLLRGAV